The following is an entry in ClinVar:

NM_001267550.2(TTN):c.35242G>T (p.Glu11748Ter)

Gene: TTN (titin; minus strand). Cytogenetic location: 2q31.2.
Variant type: single nucleotide variant.
Coding change: c.35242G>T on transcript NM_001267550.2 (MANE Select); coding-DNA position 35242, G replaced by T.
Protein change: p.Glu11748Ter; replaces glutamic acid 11748 with a stop codon.
Molecular consequence: nonsense. On other transcripts: intron variant (3).
Genome position (GRCh38, 1-based): chr2:178,671,156, C>A on the plus strand (G>T on the coding strand, the complement: TTN is on the minus strand). VCF-style: chr2-178671156-C-A. GRCh37 (hg19) VCF-style: chr2-179535883-C-A.
Other names: c.34120G>T, p.Glu11374Ter (NM_001256850.1); c.31339G>T, p.Glu10447Ter (NM_133378.4); c.13283-28839G>T (NM_003319.4); c.13859-28839G>T (NM_133437.4); c.13658-28839G>T (NM_133432.3); short protein forms E10447*, E11374*, E11748*.
Identifiers: ClinVar variation 2504431 (VCV002504431.1), dbSNP rs1457672256, ClinGen allele CA349515981.

ClinVar aggregate classification (germline): Uncertain significance (1 of 4 stars; one submission).

Submission:

GeneDx
Classification: Uncertain significance. Last evaluated: 2022-11-29. Review status: criteria provided, single submitter. Criteria: GeneDx Variant Classification Process June 2021. Collection method: clinical testing. Allele origin: germline. Affected: yes.
Comment: Not observed at significant frequency in large population cohorts (gnomAD); Nonsense variant predicted to result in protein truncation or nonsense mediated decay in a region of a gene for which loss of function is not a well-established mechanism of disease; Has not been previously published as pathogenic or benign to our knowledge